The following is an entry in ClinVar:

NM_000179.3(MSH6):c.3136G>A (p.Asp1046Asn)

Gene: MSH6 (mutS homolog 6; plus strand). Cytogenetic location: 2p16.3.
Variant type: single nucleotide variant.
Coding change: c.3136G>A on transcript NM_000179.3 (MANE Select); coding-DNA position 3136, G replaced by A.
Protein change: p.Asp1046Asn; replaces aspartic acid 1046 with asparagine.
Molecular consequence: missense variant.
Genome position (GRCh38, 1-based): chr2:47,801,119, G>A. VCF-style: chr2-47801119-G-A. GRCh37 (hg19) VCF-style: chr2-48028258-G-A.
Other names: c.2746G>A, p.Asp916Asn (NM_001281492.2); c.2230G>A, p.Asp744Asn (NM_001281493.2, NM_001281494.2); short protein forms D916N, D1046N, D744N.
Identifiers: ClinVar variation 1513355 (VCV001513355.8), dbSNP rs2104442043, ClinGen allele CA346756679.

ClinVar aggregate classification (germline): Uncertain significance (1 of 4 stars; one submission).

Conditions:
Hereditary nonpolyposis colorectal neoplasms. Identifiers: MedGen C0009405, MeSH D003123.

Submission:

Labcorp Genetics (formerly Invitae), Labcorp
Classification: Uncertain significance for Hereditary nonpolyposis colorectal neoplasms. Last evaluated: 2021-02-25. Review status: criteria provided, single submitter. Criteria: Invitae Variant Classification Sherloc (09022015). Collection method: clinical testing. Allele origin: germline.
Comment: This sequence change replaces aspartic acid with asparagine at codon 1046 of the MSH6 protein (p.Asp1046Asn). The aspartic acid residue is weakly conserved and there is a small physicochemical difference between aspartic acid and asparagine. This variant is not present in population databases (ExAC no frequency). This variant has not been reported in the literature in individuals with MSH6-related conditions. Advanced modeling of protein sequence and biophysical properties (such as structural, functional, and spatial information, amino acid conservation, physicochemical variation, residue mobility, and thermodynamic stability) performed at Invitae indicates that this missense variant is not expected to disrupt MSH6 protein function. In summary, the available evidence is currently insufficient to determine the role of this variant in disease. Therefore, it has been classified as a Variant of Uncertain Significance.